The following is an entry in ClinVar:

NM_007347.5(AP4E1):c.875G>A (p.Ser292Asn)

Gene: AP4E1 (adaptor related protein complex 4 subunit epsilon 1; plus strand). Cytogenetic location: 15q21.2.
Variant type: single nucleotide variant.
Coding change: c.875G>A on transcript NM_007347.5 (MANE Select); coding-DNA position 875, G replaced by A.
Protein change: p.Ser292Asn; replaces serine 292 with asparagine.
Molecular consequence: missense variant.
Genome position (GRCh38, 1-based): chr15:50,934,629, G>A. VCF-style: chr15-50934629-G-A. GRCh37 (hg19) VCF-style: chr15-51226826-G-A.
Other names: c.650G>A, p.Ser217Asn (NM_001252127.2); c.875G>A (NM_007347.4); short protein forms S217N, S292N.
Identifiers: ClinVar variation 1414812 (VCV001414812.11), dbSNP rs763213142, ClinGen allele CA392416381.

ClinVar aggregate classification (germline): Conflicting classifications of pathogenicity. Review status: criteria provided, conflicting classifications (1 of 4 stars). 2 submissions from 2 submitters: Likely pathogenic (1); Uncertain significance (1). Last evaluated 2024-04-12.

Conditions:
Spastic paraplegia. Identifiers: MedGen C0037772, HP:0001258.

gnomAD v4.1: 1 of 1,604,352 alleles (0.000062%); highest among the groups gnomAD compares: Non-Finnish European, 0.000085%; no homozygotes.

Submissions (2):

GeneDx
Classification: Likely pathogenic. Last evaluated: 2024-04-12. Review status: criteria provided, single submitter. Criteria: GeneDx Variant Classification Process June 2021. Collection method: clinical testing. Allele origin: germline.
Comment: Not observed at significant frequency in large population cohorts (gnomAD); In silico analysis supports that this missense variant has a deleterious effect on protein structure/function; Has not been previously published as pathogenic or benign to our knowledge; This variant is associated with the following publications: (PMID: 26544806)

Labcorp Genetics (formerly Invitae), Labcorp
Classification: Uncertain significance for Spastic paraplegia. Last evaluated: 2022-08-27. Review status: criteria provided, single submitter. Criteria: Invitae Variant Classification Sherloc (09022015). Collection method: clinical testing. Allele origin: germline.
Comment: This variant is not present in population databases (gnomAD no frequency). This sequence change replaces serine, which is neutral and polar, with asparagine, which is neutral and polar, at codon 292 of the AP4E1 protein (p.Ser292Asn). This variant has not been reported in the literature in individuals affected with AP4E1-related conditions. In summary, the available evidence is currently insufficient to determine the role of this variant in disease. Therefore, it has been classified as a Variant of Uncertain Significance. Algorithms developed to predict the effect of missense changes on protein structure and function are either unavailable or do not agree on the potential impact of this missense change (SIFT: "Deleterious"; PolyPhen-2: "Probably Damaging"; Align-GVGD: "Class C0"). ClinVar contains an entry for this variant (Variation ID: 1414812).